The following is an entry in ClinVar:

ClinVar aggregate classification (germline): Conflicting classifications of pathogenicity. Review status: criteria provided, conflicting classifications (1 of 4 stars). 4 submissions from 4 submitters: Uncertain significance (3); Likely benign (1). Last evaluated 2025-06-11.

Conditions:
Growth delay due to insulin-like growth factor I resistance. Also called: Insulin-Like Growth Factor I Resistance; Somatomedin end-organ insensitivity to; Somatomedin-c resistance to; IGF-1 resistance; IGF-I RESISTANCE. Identifiers: Orphanet 73273, MedGen C1849157, MONDO:0010038, OMIM 270450.

Allele frequency attached by ClinVar (database versions not stated): gnomAD exomes 0.00006 and 0.00014; ExAC 0.00009; TOPMed 0.00011; gnomAD 0.00012 and 0.00014; ESP Exome Variant Server 0.00015.
gnomAD v4.1: 119 of 1,613,686 alleles (0.0074%); highest among the groups gnomAD compares: Admixed American, 0.005%; no homozygotes.

Submissions (4):

GeneDx
Classification: Uncertain significance. Last evaluated: 2025-06-11. Review status: criteria provided, single submitter. Criteria: GeneDx Variant Classification Process June 2021. Collection method: clinical testing. Allele origin: germline. Affected: yes.
Comment: In silico analysis suggests that this missense variant does not alter protein structure/function; Has not been previously published as pathogenic or benign to our knowledge

Labcorp Genetics (formerly Invitae), Labcorp
Classification: Likely benign. Last evaluated: 2024-10-15. Review status: criteria provided, single submitter. Criteria: Invitae Variant Classification Sherloc (09022015). Collection method: clinical testing. Allele origin: germline.

CeGaT Center for Human Genetics Tuebingen
Classification: Uncertain significance. Last evaluated: 2023-09-01. Review status: criteria provided, single submitter. Criteria: CeGaT Center For Human Genetics Tuebingen Variant Classification Criteria Version 2. Collection method: clinical testing. Allele origin: germline. Affected: yes. Observed: 1 variant allele.
Comment: IGF1R: PM2

Illumina Laboratory Services, Illumina
Classification: Uncertain significance for Growth delay due to insulin-like growth factor I resistance. Last evaluated: 2017-04-28. Review status: criteria provided, single submitter. Criteria: ICSL Variant Classification Criteria 13 December 2019. Collection method: clinical testing. Allele origin: germline.
Comment: This variant was observed as part of a predisposition screen in an ostensibly healthy population. A literature search was performed for the gene, cDNA change, and amino acid change (where applicable). Publications were found based on this search. However, the evidence from the literature, in combination with allele frequency data from public databases where available, was not sufficient to rule this variant in or out of causing disease. Therefore, this variant is classified as a variant of unknown significance.

Literature cited by the submitters: PubMed 25231023 (cited by Illumina Laboratory Services, Illumina).

NM_000875.5(IGF1R):c.605A>G (p.Asn202Ser)

Gene: IGF1R (insulin like growth factor 1 receptor; plus strand). Cytogenetic location: 15q26.3.
Variant type: single nucleotide variant.
Coding change: c.605A>G on transcript NM_000875.5 (MANE Select); coding-DNA position 605, A replaced by G.
Protein change: p.Asn202Ser; replaces asparagine 202 with serine.
Molecular consequence: missense variant.
Genome position (GRCh38, 1-based): chr15:98,708,072, A>G. VCF-style: chr15-98708072-A-G. GRCh37 (hg19) VCF-style: chr15-99251301-A-G.
Other names: c.605A>G, p.Asn202Ser (NM_001291858.2); short protein forms N202S.
Identifiers: ClinVar variation 885638 (VCV000885638.33), dbSNP rs145668206, ClinGen allele CA7751825.